The following is an entry in ClinVar:

NM_024675.4(PALB2):c.527T>C (p.Leu176Pro)

Gene: PALB2 (partner and localizer of BRCA2; minus strand). Cytogenetic location: 16p12.2.
Variant type: single nucleotide variant.
Coding change: c.527T>C on transcript NM_024675.4 (MANE Select); coding-DNA position 527, T replaced by C.
Protein change: p.Leu176Pro; replaces leucine 176 with proline.
Molecular consequence: missense variant.
Genome position (GRCh38, 1-based): chr16:23,636,019, A>G on the plus strand (T>C on the coding strand, the complement: PALB2 is on the minus strand). VCF-style: chr16-23636019-A-G. GRCh37 (hg19) VCF-style: chr16-23647340-A-G.
Other names: short protein forms L176P.
Identifiers: ClinVar variation 570587 (VCV000570587.9), dbSNP rs1567222733, ClinGen allele CA395136960.

ClinVar aggregate classification (germline): Uncertain significance (1 of 4 stars; one submission).

Conditions:
Familial cancer of breast. Also called: hereditary breast carcinoma; BREAST CANCER, FAMILIAL; Hereditary breast cancer. Identifiers: Orphanet 227535, MedGen C0346153, MONDO:0016419, OMIM 114480. Disease mechanism: loss of function.

Submission:

Labcorp Genetics (formerly Invitae), Labcorp
Classification: Uncertain significance for Familial cancer of breast. Last evaluated: 2021-08-06. Review status: criteria provided, single submitter. Criteria: Invitae Variant Classification Sherloc (09022015). Collection method: clinical testing. Allele origin: germline.
Comment: In summary, the available evidence is currently insufficient to determine the role of this variant in disease. Therefore, it has been classified as a Variant of Uncertain Significance. Algorithms developed to predict the effect of missense changes on protein structure and function do not agree on the potential impact of this missense change (SIFT: "Tolerated"; PolyPhen-2: "Possibly Damaging"; Align-GVGD: "Class C0"). This variant has not been reported in the literature in individuals with PALB2-related disease. This variant is not present in population databases (ExAC no frequency). This sequence change replaces leucine with proline at codon 176 of the PALB2 protein (p.Leu176Pro). The leucine residue is moderately conserved and there is a moderate physicochemical difference between leucine and proline.